The following is an entry in ClinVar:

ClinVar aggregate classification (germline): Uncertain significance (1 of 4 stars; one submission).

Conditions:
Hereditary spastic paraplegia 39 (SPG39). Also called: Spastic Paraplegia Type 39 (SPG39); SPASTIC PARAPLEGIA 39, AUTOSOMAL RECESSIVE. Identifiers: Orphanet 139480, MedGen C2677586, MONDO:0012787, OMIM 612020.

Submission:

Labcorp Genetics (formerly Invitae), Labcorp
Classification: Uncertain significance for Hereditary spastic paraplegia 39. Last evaluated: 2022-08-01. Review status: criteria provided, single submitter. Criteria: Invitae Variant Classification Sherloc (09022015). Collection method: clinical testing. Allele origin: germline.
Comment: In summary, the available evidence is currently insufficient to determine the role of this variant in disease. Therefore, it has been classified as a Variant of Uncertain Significance. Algorithms developed to predict the effect of missense changes on protein structure and function output the following: SIFT: "Tolerated"; PolyPhen-2: "Benign"; Align-GVGD: "Class C0". The serine amino acid residue is found in multiple mammalian species, which suggests that this missense change does not adversely affect protein function. This variant has not been reported in the literature in individuals affected with PNPLA6-related conditions. This variant is not present in population databases (gnomAD no frequency). This sequence change replaces glycine, which is neutral and non-polar, with serine, which is neutral and polar, at codon 720 of the PNPLA6 protein (p.Gly720Ser).

NM_001166114.2(PNPLA6):c.2272G>A (p.Gly758Ser)

Gene: PNPLA6 (patatin like domain 6, lysophospholipase; plus strand). Cytogenetic location: 19p13.2.
Variant type: single nucleotide variant.
Coding change: c.2272G>A on transcript NM_001166114.2 (MANE Select); coding-DNA position 2272, G replaced by A.
Protein change: p.Gly758Ser; replaces glycine 758 with serine.
Molecular consequence: missense variant.
Genome position (GRCh38, 1-based): chr19:7,553,886, G>A. VCF-style: chr19-7553886-G-A. GRCh37 (hg19) VCF-style: chr19-7618772-G-A.
Other names: c.2302G>A, p.Gly768Ser (NM_001166111.2); c.2077G>A, p.Gly693Ser (NM_001166112.2); c.2158G>A, p.Gly720Ser (NM_001166113.1, NM_006702.5); short protein forms G720S, G693S, G758S, G768S.
Identifiers: ClinVar variation 2071399 (VCV002071399.4), dbSNP rs997296775, ClinGen allele CA304878139.